The following is an entry in ClinVar:

ClinVar aggregate classification (germline): Uncertain significance (1 of 4 stars; one submission).

Submission:

Ambry Genetics
Classification: Uncertain significance. Last evaluated: 2025-02-10. Review status: criteria provided, single submitter. Criteria: Ambry Variant Classification Scheme 2023. Collection method: clinical testing. Allele origin: germline.
Comment: The p.P545A variant (also known as c.1633C>G), located in coding exon 2 of the CDK12 gene, results from a C to G substitution at nucleotide position 1633. The proline at codon 545 is replaced by alanine, an amino acid with highly similar properties. This amino acid position is conserved. In addition, this alteration is predicted to be tolerated by in silico analysis. Based on the available evidence, the clinical significance of this variant remains unclear.

NM_016507.4(CDK12):c.1633C>G (p.Pro545Ala)

Gene: CDK12 (cyclin dependent kinase 12; plus strand). Cytogenetic location: 17q12.
Variant type: single nucleotide variant.
Coding change: c.1633C>G on transcript NM_016507.4 (MANE Select); coding-DNA position 1633, C replaced by G.
Protein change: p.Pro545Ala; replaces proline 545 with alanine.
Molecular consequence: missense variant.
Genome position (GRCh38, 1-based): chr17:39,471,465, C>G. VCF-style: chr17-39471465-C-G. GRCh37 (hg19) VCF-style: chr17-37627718-C-G.
Other names: c.1633C>G, p.Pro545Ala (NM_015083.4); short protein forms P545A.
Identifiers: ClinVar variation 3830648 (VCV003830648.1).